The following is an entry in ClinVar:

NM_003072.5(SMARCA4):c.152C>T (p.Ser51Leu)

Gene: SMARCA4 (SWI/SNF related BAF chromatin remodeling complex subunit ATPase 4; plus strand). Cytogenetic location: 19p13.2.
Variant type: single nucleotide variant.
Coding change: c.152C>T on transcript NM_003072.5 (MANE Select); coding-DNA position 152, C replaced by T.
Protein change: p.Ser51Leu; replaces serine 51 with leucine.
Molecular consequence: missense variant. On other transcripts: non-coding transcript variant (1).
Genome position (GRCh38, 1-based): chr19:10,984,303, C>T. VCF-style: chr19-10984303-C-T. GRCh37 (hg19) VCF-style: chr19-11094979-C-T.
Other names: c.152C>T, p.Ser51Leu (NM_001128844.3, NM_001128845.2, NM_001128846.2 and 6 more transcripts); short protein forms S51L.
Identifiers: ClinVar variation 2173660 (VCV002173660.4), dbSNP rs2145724859, ClinGen allele CA404054480.

ClinVar aggregate classification (germline): Uncertain significance (1 of 4 stars; one submission).

Conditions:
Rhabdoid tumor predisposition syndrome 2 (RTPS2). Identifiers: Orphanet 231108, Orphanet 69077, MedGen C2750074, MONDO:0013224, OMIM 613325.

Submission:

Labcorp Genetics (formerly Invitae), Labcorp
Classification: Uncertain significance for Rhabdoid tumor predisposition syndrome 2. Last evaluated: 2023-08-04. Review status: criteria provided, single submitter. Criteria: Invitae Variant Classification Sherloc (09022015). Collection method: clinical testing. Allele origin: germline.
Comment: This variant has not been reported in the literature in individuals affected with SMARCA4-related conditions. This variant is not present in population databases (gnomAD no frequency). This sequence change replaces serine, which is neutral and polar, with leucine, which is neutral and non-polar, at codon 51 of the SMARCA4 protein (p.Ser51Leu). ClinVar contains an entry for this variant (Variation ID: 2173660). In summary, the available evidence is currently insufficient to determine the role of this variant in disease. Therefore, it has been classified as a Variant of Uncertain Significance. Advanced modeling of protein sequence and biophysical properties (such as structural, functional, and spatial information, amino acid conservation, physicochemical variation, residue mobility, and thermodynamic stability) performed at Invitae indicates that this missense variant is not expected to disrupt SMARCA4 protein function.